The following is an entry in ClinVar:

NM_000179.3(MSH6):c.1282A>C (p.Lys428Gln)

Gene: MSH6 (mutS homolog 6; plus strand). Cytogenetic location: 2p16.3.
Variant type: single nucleotide variant.
Coding change: c.1282A>C on transcript NM_000179.3 (MANE Select); coding-DNA position 1282, A replaced by C.
Protein change: p.Lys428Gln; replaces lysine 428 with glutamine.
Molecular consequence: missense variant.
Genome position (GRCh38, 1-based): chr2:47,799,265, A>C. VCF-style: chr2-47799265-A-C. GRCh37 (hg19) VCF-style: chr2-48026404-A-C.
Other names: c.892A>C, p.Lys298Gln (NM_001281492.2); c.376A>C, p.Lys126Gln (NM_001281493.2, NM_001281494.2); short protein forms K428Q, K126Q, K298Q.
Identifiers: ClinVar variation 629021 (VCV000629021.4), dbSNP rs761822293, ClinGen allele CA346744125.

ClinVar aggregate classification (germline): Uncertain significance (1 of 4 stars; one submission).

Conditions:
Hereditary cancer-predisposing syndrome. Also called: Neoplastic Syndromes, Hereditary; Tumor predisposition; Hereditary neoplastic syndrome; Hereditary Cancer Syndrome. Identifiers: Orphanet 140162, MedGen C0027672, MeSH D009386, MONDO:0015356.

Submission:

Color Diagnostics, LLC DBA Color Health
Classification: Uncertain significance for Hereditary cancer-predisposing syndrome. Last evaluated: 2022-09-26. Review status: criteria provided, single submitter. Criteria: ACMG Guidelines, 2015. Collection method: clinical testing. Allele origin: germline.
Comment: This missense variant replaces lysine with glutamine at codon 428 of the MSH6 protein. Computational prediction suggests that this variant may have deleterious impact on protein structure and function (internally defined REVEL score threshold >= 0.7, PMID: 27666373). To our knowledge, functional studies have not been reported for this variant. This variant has not been reported in individuals affected with hereditary cancer in the literature. This variant has not been identified in the general population by the Genome Aggregation Database (gnomAD). The available evidence is insufficient to determine the role of this variant in disease conclusively. Therefore, this variant is classified as a Variant of Uncertain Significance.